The following is an entry in ClinVar:

ClinVar aggregate classification (germline): Uncertain significance (1 of 4 stars; one submission).

Allele frequency attached by ClinVar (database versions not stated): gnomAD 0.00001.
gnomAD v4.1: 21 of 1,613,504 alleles (0.0013%); highest among the groups gnomAD compares: Non-Finnish European, 0.0014%; no homozygotes.

Submission:

Labcorp Genetics (formerly Invitae), Labcorp
Classification: Uncertain significance. Last evaluated: 2025-03-17. Review status: criteria provided, single submitter. Criteria: Invitae Variant Classification Sherloc (09022015). Collection method: clinical testing. Allele origin: germline.
Comment: This sequence change replaces arginine, which is basic and polar, with cysteine, which is neutral and slightly polar, at codon 20 of the PDE6H protein (p.Arg20Cys). This variant is not present in population databases (gnomAD no frequency). This variant has not been reported in the literature in individuals affected with PDE6H-related conditions. ClinVar contains an entry for this variant (Variation ID: 1011369). An algorithm developed to predict the effect of missense changes on protein structure and function (PolyPhen-2) suggests that this variant is likely to be disruptive. In summary, the available evidence is currently insufficient to determine the role of this variant in disease. Therefore, it has been classified as a Variant of Uncertain Significance.

NM_006205.3(PDE6H):c.58C>T (p.Arg20Cys)

Gene: PDE6H (phosphodiesterase 6H; plus strand). Cytogenetic location: 12p12.3.
Variant type: single nucleotide variant.
Coding change: c.58C>T on transcript NM_006205.3 (MANE Select); coding-DNA position 58, C replaced by T.
Protein change: p.Arg20Cys; replaces arginine 20 with cysteine.
Molecular consequence: missense variant.
Genome position (GRCh38, 1-based): chr12:14,978,070, C>T. VCF-style: chr12-14978070-C-T. GRCh37 (hg19) VCF-style: chr12-15131004-C-T.
Other names: short protein forms R20C.
Identifiers: ClinVar variation 1011369 (VCV001011369.8), dbSNP rs753392540, ClinGen allele CA233312245.